The following is an entry in ClinVar:

ClinVar aggregate classification (germline): Conflicting classifications of pathogenicity. Review status: criteria provided, conflicting classifications (1 of 4 stars). 2 submissions from 2 submitters: Uncertain significance (1); Likely benign (1). Last evaluated 2024-10-08.

Conditions:
Oligodontia-cancer predisposition syndrome. Also called: TOOTH AGENESIS-COLORECTAL CANCER SYNDROME. Identifiers: Orphanet 300576, MedGen C1837750, MONDO:0012075, OMIM 608615. Disease mechanism: loss of function.
Hereditary cancer-predisposing syndrome. Also called: Tumor predisposition; Hereditary neoplastic syndrome; Neoplastic Syndromes, Hereditary; Hereditary Cancer Syndrome. Identifiers: Orphanet 140162, MedGen C0027672, MeSH D009386, MONDO:0015356.

Allele frequency attached by ClinVar (database versions not stated): gnomAD exomes below 0.00001; gnomAD 0.00001; TOPMed 0.00001; ESP Exome Variant Server 0.00008.
gnomAD v4.1: 1 of 1,613,838 alleles (0.000062%); highest among the groups gnomAD compares: African/African-American, 0.0013%; no homozygotes.

Submissions (2):

Ambry Genetics
Classification: Likely benign for Hereditary cancer-predisposing syndrome. Last evaluated: 2024-10-08. Review status: criteria provided, single submitter. Criteria: Ambry Variant Classification Scheme 2023. Collection method: clinical testing. Allele origin: germline.

Labcorp Genetics (formerly Invitae), Labcorp
Classification: Uncertain significance for Oligodontia-cancer predisposition syndrome. Last evaluated: 2024-06-21. Review status: criteria provided, single submitter. Criteria: Invitae Variant Classification Sherloc (09022015). Collection method: clinical testing. Allele origin: germline.
Comment: This sequence change replaces aspartic acid, which is acidic and polar, with glutamic acid, which is acidic and polar, at codon 167 of the AXIN2 protein (p.Asp167Glu). This variant is not present in population databases (gnomAD no frequency). This variant has not been reported in the literature in individuals affected with AXIN2-related conditions. ClinVar contains an entry for this variant (Variation ID: 665788). Advanced modeling of protein sequence and biophysical properties (such as structural, functional, and spatial information, amino acid conservation, physicochemical variation, residue mobility, and thermodynamic stability) performed at Invitae indicates that this missense variant is not expected to disrupt AXIN2 protein function with a negative predictive value of 80%. In summary, the available evidence is currently insufficient to determine the role of this variant in disease. Therefore, it has been classified as a Variant of Uncertain Significance.

NM_004655.4(AXIN2):c.501T>G (p.Asp167Glu)

Gene: AXIN2 (axin 2; minus strand). Cytogenetic location: 17q24.1.
Variant type: single nucleotide variant.
Coding change: c.501T>G on transcript NM_004655.4 (MANE Select); coding-DNA position 501, T replaced by G.
Protein change: p.Asp167Glu; replaces aspartic acid 167 with glutamic acid.
Molecular consequence: missense variant.
Genome position (GRCh38, 1-based): chr17:65,558,120, A>C on the plus strand (T>G on the coding strand, the complement: AXIN2 is on the minus strand). VCF-style: chr17-65558120-A-C. GRCh37 (hg19) VCF-style: chr17-63554238-A-C.
Other names: c.501T>G (LRG_296t1); c.501T>G, p.Asp167Glu (NM_001363813.1); short protein forms D167E.
Identifiers: ClinVar variation 665788 (VCV000665788.10), dbSNP rs375603095, ClinGen allele CA293107184.